The following is an entry in ClinVar:

NM_021628.3(ALOXE3):c.1559_1562+3dup

Gene: ALOXE3 (arachidonate epidermal lipoxygenase 3; minus strand). Cytogenetic location: 17p13.1.
Variant type: Duplication.
Coding change: c.1559_1562+3dup on transcript NM_021628.3 (MANE Select); coding-DNA position 1559 through 3 bases into the intron after coding-DNA position 1562, 7 bases duplicated (AGAGGTG; older notation c.1559_1562+3dupAGAGGTG).
Molecular consequence: splice donor variant.
Genome position (GRCh38, 1-based): chr17:8,109,171-8,109,177, CACCTCT duplicated on the plus strand (AGAGGTG on the coding strand, the reverse complement: ALOXE3 is on the minus strand); duplicating any 7 consecutive bases within chr17:8,109,171-8,109,179 gives the same sequence; the c. name uses the placement nearest the transcript's 3' end. VCF-style (leftmost placement, unchanged base first): chr17-8109170-G-GCACCTCT. GRCh37 (hg19) VCF-style: chr17-8012488-G-GCACCTCT.
Other names: c.1955_1958+3dup (NM_001165960.1); c.1556_1559+3dup (NM_001369446.1); c.1559_1562+3dupAGAGGTG (NM_021628.3).
Identifiers: ClinVar variation 1203327 (VCV001203327.10), dbSNP rs552323537, ClinGen allele CA8368059.
Genomic context (GRCh38, chr17:8,109,170, plus strand): 5'-GGACCACAATGTCCCAGGCCAGGAGACCCTGGTGGGACTGCTGGTCCCGCCCCGCACCTC[G>GCACCTCT]CACCTCTCAATGGCCGCCCAGATCTTCAGGCCGTCGTCTCGGTAGTGGTAGTTGGGGATA-3'

ClinVar aggregate classification (germline): Conflicting classifications of pathogenicity. Review status: criteria provided, conflicting classifications (1 of 4 stars). 4 submissions from 4 submitters: Uncertain significance (2); Benign (2). Last evaluated 2026-01-24.

Submissions (4):

Labcorp Genetics (formerly Invitae), Labcorp
Classification: Benign. Last evaluated: 2026-01-24. Review status: criteria provided, single submitter. Criteria: Invitae Variant Classification Sherloc (09022015). Collection method: clinical testing. Allele origin: germline.

GeneDx
Classification: Uncertain significance. Last evaluated: 2025-10-06. Review status: criteria provided, single submitter. Criteria: GeneDx Variant Classification Process June 2021. Collection method: clinical testing. Allele origin: germline. Affected: yes.
Comment: In silico analysis suggests this variant may impact gene splicing. In the absence of RNA/functional studies, the actual effect of this sequence change is unknown.; Has not been previously published as pathogenic or benign to our knowledge; This variant is associated with the following publications: (PMID: 27535533)

Women's Health and Genetics/Laboratory Corporation of America, LabCorp
Classification: Benign. Last evaluated: 2025-09-30. Review status: criteria provided, single submitter. Criteria: LabCorp Variant Classification Summary - May 2015. Collection method: clinical testing. Allele origin: germline.
Comment: Variant summary: ALOXE3 c.1559_1562+3dupAGAGGTG is located close to a canonical splice site and therefore could affect mRNA splicing, leading to a significantly altered protein sequence. Several computational tools predict a significant impact on normal splicing: Four predict the variant creates a 5' donor site, however the canonical 5' donor site is expected to remain intact. These predictions have yet to be confirmed by functional studies. The variant allele was found at a frequency of 0.00054 in 250312 control chromosomes, predominantly at a frequency of 0.0069 within the East Asian subpopulation in the gnomAD database. The observed variant frequency within East Asian control individuals in the gnomAD database exceeds the estimated maximal expected allele frequency for disease-causing variants in ALOXE3. To our knowledge, no occurrence of c.1559_1562+3dupAGAGGTG in individuals affected with ALOXE3-related conditions and no experimental evidence demonstrating its impact on protein function have been reported. ClinVar contains an entry for this variant (Variation ID: 1203327). Based on the evidence outlined above, the variant was classified as benign.

Blueprint Genetics
Classification: Uncertain significance. Last evaluated: 2024-05-29. Review status: criteria provided, single submitter. Criteria: ACMG Guidelines, 2015. Collection method: clinical testing. Allele origin: germline.